The following is an entry in ClinVar:

ClinVar aggregate classification (germline): Uncertain significance. Review status: criteria provided, multiple submitters, no conflicts (2 of 4 stars). 3 submissions from 3 submitters: Uncertain significance (3). Last evaluated 2024-10-18.

Conditions:
Seizures, benign familial infantile, 3 (BFIS3). Also called: Familial neonatal seizures; CONVULSIONS, BENIGN FAMILIAL INFANTILE, 3. Identifiers: Orphanet 140927, Orphanet 306, MedGen C1843140, MONDO:0011904, OMIM 607745.
Developmental and epileptic encephalopathy, 11 (DEE11). Also called: Early infantile epileptic encephalopathy 11. Identifiers: Orphanet 1934, MedGen C3150987, MONDO:0013388, OMIM 613721.

Allele frequency attached by ClinVar (database versions not stated): gnomAD exomes below 0.00001; TOPMed 0.00001.
gnomAD v4.1: 3 of 1,613,972 alleles (0.00019%); highest among the groups gnomAD compares: Non-Finnish European, 0.00025%; no homozygotes.

Submissions (3):

Blueprint Genetics
Classification: Uncertain significance. Last evaluated: 2024-10-18. Review status: criteria provided, single submitter. Criteria: ACMG Guidelines, 2015. Collection method: clinical testing. Allele origin: germline.

GeneDx
Classification: Uncertain significance. Last evaluated: 2024-08-02. Review status: criteria provided, single submitter. Criteria: GeneDx Variant Classification Process June 2021. Collection method: clinical testing. Allele origin: germline. Affected: yes.
Comment: Not observed at significant frequency in large population cohorts (gnomAD); In silico analysis supports that this missense variant has a deleterious effect on protein structure/function; Has not been previously published as pathogenic or benign to our knowledge; This substitution is predicted to be within the C-terminal cytoplasmic domain

Labcorp Genetics (formerly Invitae), Labcorp
Classification: Uncertain significance for Seizures, benign familial infantile, 3; Developmental and epileptic encephalopathy, 11. Last evaluated: 2023-11-27. Review status: criteria provided, single submitter. Criteria: Invitae Variant Classification Sherloc (09022015). Collection method: clinical testing. Allele origin: germline.
Comment: This sequence change replaces alanine, which is neutral and non-polar, with valine, which is neutral and non-polar, at codon 1809 of the SCN2A protein (p.Ala1809Val). This variant is not present in population databases (gnomAD no frequency). This variant has not been reported in the literature in individuals affected with SCN2A-related conditions. ClinVar contains an entry for this variant (Variation ID: 533496). Advanced modeling of protein sequence and biophysical properties (such as structural, functional, and spatial information, amino acid conservation, physicochemical variation, residue mobility, and thermodynamic stability) performed at Invitae indicates that this missense variant is expected to disrupt SCN2A protein function with a positive predictive value of 95%. In summary, the available evidence is currently insufficient to determine the role of this variant in disease. Therefore, it has been classified as a Variant of Uncertain Significance.

NM_001040142.2(SCN2A):c.5426C>T (p.Ala1809Val)

Gene: SCN2A (sodium voltage-gated channel alpha subunit 2; plus strand). Cytogenetic location: 2q24.3.
Variant type: single nucleotide variant.
Coding change: c.5426C>T on transcript NM_001040142.2 (MANE Select); coding-DNA position 5426, C replaced by T.
Protein change: p.Ala1809Val; replaces alanine 1809 with valine.
Molecular consequence: missense variant.
Genome position (GRCh38, 1-based): chr2:165,389,232, C>T. VCF-style: chr2-165389232-C-T. GRCh37 (hg19) VCF-style: chr2-166245742-C-T.
Other names: c.5426C>T, p.Ala1809Val (NM_001040143.2, NM_001371246.1, NM_001371247.1 and 1 more transcripts); short protein forms A1809V.
Identifiers: ClinVar variation 533496 (VCV000533496.11), dbSNP rs1553463646, ClinGen allele CA349038961.
Genomic context (GRCh38, chr2:165,389,232, plus strand): 5'-CTCTGAGTGAGGATGACTTTGAGATGTTCTATGAGGTTTGGGAGAAGTTTGATCCCGATG[C>T]GACCCAGTTTATAGAGTTTGCCAAACTTTCTGATTTTGCAGATGCCCTGGATCCTCCTCT-3'
Protein context (NP_001035232.1, residues 1799-1819): YEVWEKFDPD[Ala1809Val]TQFIEFAKLS